The following is an entry in ClinVar:

ClinVar aggregate classification (germline): Uncertain significance. Review status: criteria provided, multiple submitters, no conflicts (2 of 4 stars). 2 submissions from 2 submitters: Uncertain significance (2). Last evaluated 2025-08-29.

Conditions:
Inborn genetic diseases. Identifiers: MedGen C0950123, MeSH D030342.

Allele frequency attached by ClinVar (database versions not stated): gnomAD exomes below 0.00001; ExAC 0.00003; gnomAD 0.00009; TOPMed 0.00012.
gnomAD v4.1: 21 of 1,613,920 alleles (0.0013%); highest among the groups gnomAD compares: African/African-American, 0.025%; no homozygotes.

Submissions (2):

Ambry Genetics
Classification: Uncertain significance for Inborn genetic diseases. Last evaluated: 2025-08-29. Review status: criteria provided, single submitter. Criteria: Ambry Variant Classification Scheme 2023. Collection method: clinical testing. Allele origin: germline.

Labcorp Genetics (formerly Invitae), Labcorp
Classification: Uncertain significance. Last evaluated: 2024-08-12. Review status: criteria provided, single submitter. Criteria: Invitae Variant Classification Sherloc (09022015). Collection method: clinical testing. Allele origin: germline.
Comment: This sequence change replaces leucine, which is neutral and non-polar, with histidine, which is basic and polar, at codon 617 of the NCSTN protein (p.Leu617His). This variant is present in population databases (rs765443646, gnomAD 0.04%). This variant has not been reported in the literature in individuals affected with NCSTN-related conditions. ClinVar contains an entry for this variant (Variation ID: 2261012). Advanced modeling of protein sequence and biophysical properties (such as structural, functional, and spatial information, amino acid conservation, physicochemical variation, residue mobility, and thermodynamic stability) performed at Invitae indicates that this missense variant is not expected to disrupt NCSTN protein function with a negative predictive value of 80%. In summary, the available evidence is currently insufficient to determine the role of this variant in disease. Therefore, it has been classified as a Variant of Uncertain Significance.

NM_015331.3(NCSTN):c.1850T>A (p.Leu617His)

Gene: NCSTN (nicastrin; plus strand). Cytogenetic location: 1q23.2.
Variant type: single nucleotide variant.
Coding change: c.1850T>A on transcript NM_015331.3 (MANE Select); coding-DNA position 1850, T replaced by A.
Protein change: p.Leu617His; replaces leucine 617 with histidine.
Molecular consequence: missense variant. On other transcripts: intron variant (1).
Genome position (GRCh38, 1-based): chr1:160,357,096, T>A. VCF-style: chr1-160357096-T-A. GRCh37 (hg19) VCF-style: chr1-160326886-T-A.
Other names: c.1790T>A, p.Leu597His (NM_001290184.2); c.1436T>A, p.Leu479His (NM_001290186.2); c.1794+342T>A (NM_001349729.2); short protein forms L597H, L617H, L479H.
Identifiers: ClinVar variation 2261012 (VCV002261012.5), dbSNP rs765443646, ClinGen allele CA1199125.